The following is an entry in ClinVar:

NM_001370466.1(NOD2):c.1175C>T (p.Ala392Val)

Gene: NOD2 (nucleotide binding oligomerization domain containing 2; plus strand). Cytogenetic location: 16q12.1.
Variant type: single nucleotide variant.
Coding change: c.1175C>T on transcript NM_001370466.1 (MANE Select); coding-DNA position 1175, C replaced by T.
Protein change: p.Ala392Val; replaces alanine 392 with valine.
Molecular consequence: missense variant. On other transcripts: non-coding transcript variant (1).
Genome position (GRCh38, 1-based): chr16:50,711,167, C>T. VCF-style: chr16-50711167-C-T. GRCh37 (hg19) VCF-style: chr16-50745078-C-T.
Other names: c.1175C>T, p.Ala392Val (NM_001293557.2); c.1256C>T, p.Ala419Val (NM_022162.3); short protein forms A419V, A392V.
Identifiers: ClinVar variation 2005413 (VCV002005413.4), dbSNP rs867562380, ClinGen allele CA281262344.

ClinVar aggregate classification (germline): Uncertain significance (1 of 4 stars; one submission).

Conditions:
Blau syndrome (BLAUS). Also called: ARTHROCUTANEOUVEAL GRANULOMATOSIS; GRANULOMATOSIS, FAMILIAL JUVENILE SYSTEMIC; GRANULOMATOSIS, FAMILIAL, BLAU TYPE; GRANULOMATOUS INFLAMMATORY ARTHRITIS, DERMATITIS, AND UVEITIS, FAMILIAL; JABS SYNDROME. Identifiers: Orphanet 90340, MedGen C5201146, MONDO:0008523, OMIM 186580.
Regional enteritis. Also called: Enteritis, Granulomatous. Identifiers: MedGen C0678202, MeSH D003424.

Submission:

Labcorp Genetics (formerly Invitae), Labcorp
Classification: Uncertain significance for Regional enteritis; Blau syndrome. Last evaluated: 2022-11-15. Review status: criteria provided, single submitter. Criteria: Invitae Variant Classification Sherloc (09022015). Collection method: clinical testing. Allele origin: germline.
Comment: In summary, the available evidence is currently insufficient to determine the role of this variant in disease. Therefore, it has been classified as a Variant of Uncertain Significance. Advanced modeling of protein sequence and biophysical properties (such as structural, functional, and spatial information, amino acid conservation, physicochemical variation, residue mobility, and thermodynamic stability) performed at Invitae indicates that this missense variant is not expected to disrupt NOD2 protein function. This variant has not been reported in the literature in individuals affected with NOD2-related conditions. This variant is not present in population databases (gnomAD no frequency). This sequence change replaces alanine, which is neutral and non-polar, with valine, which is neutral and non-polar, at codon 419 of the NOD2 protein (p.Ala419Val).